The following is an entry in ClinVar:

ClinVar aggregate classification (germline): Uncertain significance (1 of 4 stars; one submission).

Conditions:
PCSK5-related disorder. Also called: PCSK5-related condition.

Allele frequency attached by ClinVar (database versions not stated): TOPMed 0.00003; ExAC 0.00005; gnomAD 0.00006.
gnomAD v4.1: 212 of 1,612,762 alleles (0.013%); highest among the groups gnomAD compares: Non-Finnish European, 0.017%; no homozygotes.

Submission:

PreventionGenetics, part of Exact Sciences
Classification: Uncertain significance for PCSK5-related condition. Last evaluated: 2023-07-18. Review status: criteria provided, single submitter. Criteria: ACMG Guidelines, 2015. Collection method: clinical testing. Allele origin: germline.
Comment: The PCSK5 c.4570T>C variant is predicted to result in the amino acid substitution p.Cys1524Arg. To our knowledge, this variant has not been reported in the literature. This variant is reported in 0.0090% of alleles in individuals of European (Non-Finnish) descent in gnomAD. At this time, the clinical significance of this variant is uncertain due to the absence of conclusive functional and genetic evidence.

NM_001372043.1(PCSK5):c.4651T>C (p.Cys1551Arg)

Gene: PCSK5 (proprotein convertase subtilisin/kexin type 5; plus strand). Cytogenetic location: 9q21.13.
Variant type: single nucleotide variant.
Coding change: c.4651T>C on transcript NM_001372043.1 (MANE Select); coding-DNA position 4651, T replaced by C.
Protein change: p.Cys1551Arg; replaces cysteine 1551 with arginine.
Molecular consequence: missense variant.
Genome position (GRCh38, 1-based): chr9:76,332,513, T>C. VCF-style: chr9-76332513-T-C. GRCh37 (hg19) VCF-style: chr9-78947429-T-C.
Other names: c.4570T>C, p.Cys1524Arg (NM_001190482.2); short protein forms C1524R, C1551R.
Identifiers: ClinVar variation 2634116 (VCV002634116.1), dbSNP rs531220742, ClinGen allele CA5087972.